The following is an entry in ClinVar:

ClinVar aggregate classification (germline): Likely pathogenic (1 of 4 stars; one submission).

Submission:

GeneDx
Classification: Likely pathogenic. Last evaluated: 2014-05-02. Review status: criteria provided, single submitter. Criteria: GeneDx Variant Classification (06012015). Collection method: clinical testing. Allele origin: germline. Affected: yes.
Comment: The P209R variant has not been published as a mutation, nor has it been reported as a benign polymorphism to our knowledge. It was not observed in approximately 6,500 individuals of European and African American ancestry in the NHLBI Exome Sequencing Project, indicating it is not a common benign variant in these populations. The P209R variant is a non-conservative amino acid substitution, which is likely to impact secondary protein structure as these residues differ in polarity, charge, size and/or other properties. In addition, this substitution occurs at a position that is highly conserved across species in the protein kinase domain, and other missense mutations have been reported in this regions of the protein association with epileptic encephalopathy and atypical Rett syndrome . In silico analysis predicts this variant is probably damaging to the protein structure/function. Therefore, this variant is a strong candidate for a pathogenic mutation, however the possibility that it is a benign variant cannot be excluded. The variant is found in INFANT-EPI panel(s).

NM_001323289.2(CDKL5):c.626C>G (p.Pro209Arg)

Gene: CDKL5 (cyclin dependent kinase like 5; plus strand). Cytogenetic location: Xp22.13.
Variant type: single nucleotide variant.
Coding change: c.626C>G on transcript NM_001323289.2 (MANE Select); coding-DNA position 626, C replaced by G.
Protein change: p.Pro209Arg; replaces proline 209 with arginine.
Molecular consequence: missense variant.
Genome position (GRCh38, 1-based): chrX:18,588,025, C>G. VCF-style: chrX-18588025-C-G. GRCh37 (hg19) VCF-style: chrX-18606145-C-G.
Other names: p.P209R:CCT>CGT; c.626C>G, p.Pro209Arg (NM_001037343.2, NM_003159.3); short protein forms P209R.
Identifiers: ClinVar variation 156607 (VCV000156607.2), dbSNP rs587783088, ClinGen allele CA294610.